The following is an entry in ClinVar:

ClinVar aggregate classification (germline): Likely benign. Review status: criteria provided, multiple submitters, no conflicts (2 of 4 stars). 5 submissions from 5 submitters: Likely benign (5). Last evaluated 2025-03-13.

Conditions:
Familial thoracic aortic aneurysm and aortic dissection (TAAD). Also called: Thoracic aortic aneurysms and dissections. Identifiers: Orphanet 91387, MedGen C4707243, MONDO:0019625.

Allele frequency attached by ClinVar (database versions not stated): TOPMed below 0.00001; gnomAD 0.00001; ExAC 0.00002; gnomAD exomes 0.00002.
gnomAD v4.1: 28 of 1,613,946 alleles (0.0017%); highest among the groups gnomAD compares: East Asian, 0.0022%; no homozygotes.

Submissions (5):

Ambry Genetics
Classification: Likely benign for Familial thoracic aortic aneurysm and aortic dissection. Last evaluated: 2025-03-13. Review status: criteria provided, single submitter. Criteria: Ambry Variant Classification Scheme 2023. Collection method: clinical testing. Allele origin: germline.

All of Us Research Program, National Institutes of Health
Classification: Likely benign for Familial thoracic aortic aneurysm and aortic dissection. Last evaluated: 2024-01-11. Review status: criteria provided, single submitter. Criteria: ACMG Guidelines, 2015. Collection method: clinical testing. Allele origin: germline. Inheritance: Autosomal dominant inheritance. Observed: 2 variant alleles, 2 heterozygotes.
Comment: This study involves interpretation of variants in research participants for the purpose of population health screening. Participant phenotype was not available at the time of variant classification. Additional details can be found in publication PMID: 35346344, PMCID: PMC8962531

Blueprint Genetics
Classification: Likely benign. Last evaluated: 2022-06-29. Review status: criteria provided, single submitter. Criteria: ACMG Guidelines, 2015. Collection method: clinical testing. Allele origin: germline.

Color Diagnostics, LLC DBA Color Health
Classification: Likely benign for Familial thoracic aortic aneurysm and aortic dissection. Last evaluated: 2022-04-28. Review status: criteria provided, single submitter. Criteria: ACMG Guidelines, 2015. Collection method: clinical testing. Allele origin: germline.

GeneDx
Classification: Likely benign. Last evaluated: 2020-08-04. Review status: criteria provided, single submitter. Criteria: GeneDx Variant Classification Process June 2021. Collection method: clinical testing. Allele origin: germline. Affected: yes.

NM_001613.4(ACTA2):c.726C>T (p.Tyr242=)

Genes: ACTA2 (actin alpha 2, smooth muscle; minus strand), ACTA2-AS1 (ACTA2 antisense RNA 1; plus strand). Cytogenetic location: 10q23.31.
Variant type: single nucleotide variant.
Coding change: c.726C>T on transcript NM_001613.4 (MANE Select); coding-DNA position 726, C replaced by T.
Protein change: p.Tyr242=; no amino-acid change (tyrosine 242 retained).
Molecular consequence: synonymous variant. On other transcripts: non-coding transcript variant (1), intron variant (1).
Genome position (GRCh38, 1-based): chr10:88,939,589, G>A on the plus strand (C>T on the coding strand, the complement: ACTA2 is on the minus strand). VCF-style: chr10-88939589-G-A. GRCh37 (hg19) VCF-style: chr10-90699346-G-A.
Other names: c.726C>T, p.Tyr242= (NM_001141945.3, NM_001320855.2, NM_001406462.1 and 2 more transcripts); c.615C>T, p.Tyr205= (NM_001406466.1); c.597C>T, p.Tyr199= (NM_001406467.1, NM_001406468.1, NM_001406469.1); c.617-1347C>T (NM_001406471.1).
Identifiers: ClinVar variation 508644 (VCV000508644.8), dbSNP rs752705172, ClinGen allele CA029328.